The following is an entry in ClinVar:

NM_000384.3(APOB):c.2173C>T (p.Gln725Ter)

Gene: APOB (apolipoprotein B; minus strand). Cytogenetic location: 2p24.1.
Variant type: single nucleotide variant.
Coding change: c.2173C>T on transcript NM_000384.3 (MANE Select); coding-DNA position 2173, C replaced by T.
Protein change: p.Gln725Ter; replaces glutamine 725 with a stop codon.
Molecular consequence: nonsense.
Genome position (GRCh38, 1-based): chr2:21,026,859, G>A on the plus strand (C>T on the coding strand, the complement: APOB is on the minus strand). VCF-style: chr2-21026859-G-A. GRCh37 (hg19) VCF-style: chr2-21249731-G-A.
Other names: short protein forms Q725*.
Identifiers: ClinVar variation 3307797 (VCV003307797.1).

ClinVar aggregate classification (germline): Pathogenic (1 of 4 stars; one submission).

Conditions:
Cardiovascular phenotype. Identifiers: MedGen CN230736.

gnomAD v4.1: 1 of 1,613,898 alleles (0.000062%); highest among the groups gnomAD compares: Non-Finnish European, 0.000085%; no homozygotes.

Submission:

Ambry Genetics
Classification: Pathogenic for Cardiovascular phenotype. Last evaluated: 2024-05-09. Review status: criteria provided, single submitter. Criteria: Ambry Variant Classification Scheme 2023. Collection method: clinical testing. Allele origin: germline.
Comment: The p.Q725* pathogenic mutation (also known as c.2173C>T), located in coding exon 15 of the APOB gene, results from a C to T substitution at nucleotide position 2173. This changes the amino acid from a glutamine to a stop codon within coding exon 15. This variant has been detected in cohorts with hypocholesterolemia (Lange LA et al. Am J Hum Genet, 2014 Feb;94:233-45; Helgadottir A et al. Nat Genet, 2016 Jun;48:634-9). This variant is considered to be rare based on population cohorts in the Genome Aggregation Database (gnomAD). This alteration is expected to result in loss of function by premature protein truncation or nonsense-mediated mRNA decay. Although biallelic loss of function of APOB has been associated with autosomal recessive hypobetalipoproteinemia, haploinsufficiency of APOB is not a mechanism of disease for autosomal dominant familial hypercholesterolemia. Based on the supporting evidence, this variant is expected to be causative of autosomal recessive hypobetalipoproteinemia when present along with a second pathogenic variant on the other allele; however, it is unlikely to be causative of autosomal dominant familial hypercholesterolemia.

Literature cited by the submitters: PubMed 24507775; PubMed 27135400.